The following is an entry in ClinVar:

ClinVar aggregate classification (germline): Conflicting classifications of pathogenicity. Review status: criteria provided, conflicting classifications (1 of 4 stars). 3 submissions from 3 submitters: Uncertain significance (2); Likely benign (1). Last evaluated 2024-12-30.

Conditions:
Arrhythmogenic cardiomyopathy with wooly hair and keratoderma. Also called: PALMOPLANTAR KERATODERMA WITH LEFT VENTRICULAR CARDIOMYOPATHY AND WOOLLY HAIR; Dilated cardiomyopathy with woolly hair and keratoderma; Arrhythmogenic cardiomyopathy with woolly hair and keratoderma; Carvajal syndrome. Identifiers: Orphanet 65282, MedGen C1854063, MONDO:0011581, OMIM 605676.
Arrhythmogenic right ventricular dysplasia 8 (ARVD8). Also called: Arrhythmogenic Right Ventricular Dysplasia/Cardiomyopathy 8; ARRHYTHMOGENIC RIGHT VENTRICULAR DYSPLASIA, FAMILIAL, 8; ARRHYTHMOGENIC RIGHT VENTRICULAR CARDIOMYOPATHY 8. Identifiers: MedGen C1843896, MONDO:0011831, OMIM 607450.
Cardiovascular phenotype. Identifiers: MedGen CN230736.

Allele frequency attached by ClinVar (database versions not stated): ExAC 0.00001; gnomAD 0.00001; gnomAD exomes 0.00001 and 0.00002; TOPMed 0.00001.
gnomAD v4.1: 24 of 1,614,056 alleles (0.0015%); highest among the groups gnomAD compares: Non-Finnish European, 0.0019%; no homozygotes.

Submissions (3):

Labcorp Genetics (formerly Invitae), Labcorp
Classification: Likely benign for Arrhythmogenic cardiomyopathy with wooly hair and keratoderma; Arrhythmogenic right ventricular dysplasia 8. Last evaluated: 2024-12-30. Review status: criteria provided, single submitter. Criteria: Invitae Variant Classification Sherloc (09022015). Collection method: clinical testing. Allele origin: germline.

All of Us Research Program, National Institutes of Health
Classification: Uncertain significance for Arrhythmogenic cardiomyopathy with wooly hair and keratoderma. Last evaluated: 2024-04-25. Review status: criteria provided, single submitter. Criteria: ACMG Guidelines, 2015. Collection method: clinical testing. Allele origin: germline. Inheritance: Autosomal dominant inheritance. Observed: 5 variant alleles, 5 heterozygotes.
Comment: This missense variant replaces aspartic acid with glycine at codon 1478 of the DSP protein. Computational prediction suggests that this variant may not impact protein structure and function (internally defined REVEL score threshold <= 0.5, PMID: 27666373). To our knowledge, functional studies have not been reported for this variant. This variant has not been reported in individuals affected with DSP-related disorders in the literature. This variant has been identified in 3/282020 chromosomes in the general population by the Genome Aggregation Database (gnomAD). The available evidence is insufficient to determine the role of this variant in disease conclusively. Therefore, this variant is classified as a Variant of Uncertain Significance.

This study involves interpretation of variants in research participants for the purpose of population health screening. Participant phenotype was not available at the time of variant classification. Additional details can be found in publication PMID: 35346344, PMCID: PMC8962531

Ambry Genetics
Classification: Uncertain significance for Cardiovascular phenotype. Last evaluated: 2020-08-21. Review status: criteria provided, single submitter. Criteria: Ambry Variant Classification Scheme 2023. Collection method: clinical testing. Allele origin: germline.
Comment: The p.D1478G variant (also known as c.4433A>G), located in coding exon 23 of the DSP gene, results from an A to G substitution at nucleotide position 4433. The aspartic acid at codon 1478 is replaced by glycine, an amino acid with similar properties. This amino acid position is not well conserved in available vertebrate species. In addition, the in silico prediction for this alteration is inconclusive. Since supporting evidence is limited at this time, the clinical significance of this alteration remains unclear.

NM_004415.4(DSP):c.4433A>G (p.Asp1478Gly)

Gene: DSP (desmoplakin; plus strand). Cytogenetic location: 6p24.3.
Variant type: single nucleotide variant.
Coding change: c.4433A>G on transcript NM_004415.4 (MANE Select); coding-DNA position 4433, A replaced by G.
Protein change: p.Asp1478Gly; replaces aspartic acid 1478 with glycine.
Molecular consequence: missense variant. On other transcripts: intron variant (2).
Genome position (GRCh38, 1-based): chr6:7,580,623, A>G. VCF-style: chr6-7580623-A-G. GRCh37 (hg19) VCF-style: chr6-7580856-A-G.
Other names: c.4050+383A>G (NM_001319034.2); c.3582+851A>G (NM_001008844.3); short protein forms D1478G.
Identifiers: ClinVar variation 1412429 (VCV001412429.12), dbSNP rs767339003, ClinGen allele CA041510.
Genomic context (GRCh38, chr6:7,580,623, plus strand): 5'-GAACAGAGGAGAGCGTAAGATATAAGCAATCTCTTGATGATGCTGCCAAAACCATCCAGG[A>G]TAAAAACAAGGAGATAGAAAGGTTAAAACAACTGATCGACAAAGAAACAAATGACCGGAA-3'
Protein context (NP_004406.2, residues 1468-1488): SLDDAAKTIQ[Asp1478Gly]KNKEIERLKQ